The following is an entry in ClinVar:

ClinVar aggregate classification (germline): Likely benign. Review status: criteria provided, multiple submitters, no conflicts (2 of 4 stars). 2 submissions from 2 submitters: Likely benign (2). Last evaluated 2025-06-02.

Conditions:
MYO6-related disorder. Also called: MYO6-related disorders; MYO6-related condition.

Allele frequency attached by ClinVar (database versions not stated): gnomAD 0.00001; gnomAD exomes 0.00001.
gnomAD v4.1: 9 of 1,612,868 alleles (0.00056%); highest among the groups gnomAD compares: Middle Eastern, 0.016%; no homozygotes.

Submissions (2):

PreventionGenetics, part of Exact Sciences
Classification: Likely benign for MYO6-related condition. Last evaluated: 2025-06-02. Review status: criteria provided, single submitter. Criteria: ACMG Guidelines, 2015. Collection method: clinical testing. Allele origin: germline.
Comment: This variant is classified as likely benign based on ACMG/AMP sequence variant interpretation guidelines (Richards et al. 2015 PMID: 25741868, with internal and published modifications).

Labcorp Genetics (formerly Invitae), Labcorp
Classification: Likely benign. Last evaluated: 2024-08-23. Review status: criteria provided, single submitter. Criteria: Invitae Variant Classification Sherloc (09022015). Collection method: clinical testing. Allele origin: germline.

NM_004999.4(MYO6):c.3288G>A (p.Glu1096=)

Gene: MYO6 (myosin VI; plus strand). Cytogenetic location: 6q14.1.
Variant type: single nucleotide variant.
Coding change: c.3288G>A on transcript NM_004999.4 (MANE Select); coding-DNA position 3288, G replaced by A.
Protein change: p.Glu1096=; no amino-acid change (glutamic acid 1096 retained).
Molecular consequence: synonymous variant. On other transcripts: non-coding transcript variant (1).
Genome position (GRCh38, 1-based): chr6:75,908,503, G>A. VCF-style: chr6-75908503-G-A. GRCh37 (hg19) VCF-style: chr6-76618220-G-A.
Other names: c.3219G>A, p.Glu1073= (NM_001300899.2, NM_001368136.1); c.3276G>A, p.Glu1092= (NM_001368137.1); c.3204G>A, p.Glu1068= (NM_001368138.1); c.3315G>A, p.Glu1105= (NM_001368865.1, NM_001368866.1); c.3288G>A (NM_004999.3).
Identifiers: ClinVar variation 2199032 (VCV002199032.5), dbSNP rs1352108154, ClinGen allele CA450941968.